The following is an entry in ClinVar:

ClinVar aggregate classification (germline): Uncertain significance (1 of 4 stars; one submission).

Conditions:
Myoclonic dystonia 26. Identifiers: MedGen C4225341, MONDO:0014620, OMIM 616398.

gnomAD v4.1: 13 of 1,613,066 alleles (0.00081%); highest among the groups gnomAD compares: Middle Eastern, 0.017%; no homozygotes.

Submission:

Labcorp Genetics (formerly Invitae), Labcorp
Classification: Uncertain significance for Myoclonic dystonia 26. Last evaluated: 2025-03-26. Review status: criteria provided, single submitter. Criteria: Invitae Variant Classification Sherloc (09022015). Collection method: clinical testing. Allele origin: germline.
Comment: This sequence change replaces proline, which is neutral and non-polar, with alanine, which is neutral and non-polar, at codon 303 of the KCTD17 protein (p.Pro303Ala). This variant is present in population databases (no rsID available, gnomAD 0.002%). This variant has not been reported in the literature in individuals affected with KCTD17-related conditions. An algorithm developed to predict the effect of missense changes on protein structure and function (PolyPhen-2) suggests that this variant is likely to be disruptive. In summary, the available evidence is currently insufficient to determine the role of this variant in disease. Therefore, it has been classified as a Variant of Uncertain Significance.

NM_001282684.2(KCTD17):c.886C>G (p.Pro296Ala)

Gene: KCTD17 (potassium channel tetramerization domain containing 17; plus strand). Cytogenetic location: 22q12.3.
Variant type: single nucleotide variant.
Coding change: c.886C>G on transcript NM_001282684.2 (MANE Select); coding-DNA position 886, C replaced by G.
Protein change: p.Pro296Ala; replaces proline 296 with alanine.
Molecular consequence: missense variant. On other transcripts: 3 prime UTR variant (1).
Genome position (GRCh38, 1-based): chr22:37,062,535, C>G. VCF-style: chr22-37062535-C-G. GRCh37 (hg19) VCF-style: chr22-37458575-C-G.
Other names: c.*57C>G (NM_001282685.2); c.623C>G, p.Ala208Gly (NM_001282686.2); c.814C>G, p.Pro272Ala (NM_024681.4); short protein forms A208G, P272A, P296A.
Identifiers: ClinVar variation 4801681 (VCV004801681.1).